The following is an entry in ClinVar:

NM_000069.3(CACNA1S):c.3638A>G (p.Tyr1213Cys)

Gene: CACNA1S (calcium voltage-gated channel subunit alpha1 S; minus strand). Cytogenetic location: 1q32.1.
Variant type: single nucleotide variant.
Coding change: c.3638A>G on transcript NM_000069.3 (MANE Select); coding-DNA position 3638, A replaced by G.
Protein change: p.Tyr1213Cys; replaces tyrosine 1213 with cysteine.
Molecular consequence: missense variant.
Genome position (GRCh38, 1-based): chr1:201,054,533, T>C on the plus strand (A>G on the coding strand, the complement: CACNA1S is on the minus strand). VCF-style: chr1-201054533-T-C. GRCh37 (hg19) VCF-style: chr1-201023661-T-C.
Other names: short protein forms Y1213C.
Identifiers: ClinVar variation 3073683 (VCV003073683.1), dbSNP rs1477381459, ClinGen allele CA344155930.
Genomic context (GRCh38, chr1:201,054,533, plus strand): 5'-GTGCCAGGCAGGCTCGTGCAGCCTGAAATTACAACGTTCCCGCAGCCTCCACCCAGGCAA[T>C]ACAGTCCCCCGCTGGAGGCCAGGAAAGTCTGTGGAGAAAAGAGACGAAGGGAGGGGAAGG-3'
Protein context (NP_000060.2, residues 1203-1223): DTFLASSGGL[Tyr1213Cys]CLGGGCGNVD

ClinVar aggregate classification (germline): Uncertain significance (1 of 4 stars; one submission).

Conditions:
Malignant hyperthermia, susceptibility to, 5 (MHS5). Also called: CACNA1S-Related Malignant Hyperthermia Susceptibility. Identifiers: Orphanet 423, MedGen C1866077, MONDO:0011163, OMIM 601887.

Submission:

All of Us Research Program, National Institutes of Health
Classification: Uncertain significance for Malignant hyperthermia, susceptibility to, 5. Last evaluated: 2023-10-06. Review status: criteria provided, single submitter. Criteria: ACMG Guidelines, 2015. Collection method: clinical testing. Allele origin: germline. Inheritance: Autosomal dominant inheritance. Observed: 1 variant allele, 1 heterozygote.
Comment: This missense variant replaces tyrosine with cysteine at codon 1213 of the CACNA1S protein. Computational prediction is inconclusive regarding the impact of this variant on protein structure and function (internally defined REVEL score threshold 0.5 < inconclusive < 0.7, PMID: 27666373). To our knowledge, functional studies have not been reported for this variant. This variant has not been reported in individuals affected with CACNA1S-related disorders in the literature. This variant has been identified in 1/250692 chromosomes in the general population by the Genome Aggregation Database (gnomAD). The available evidence is insufficient to determine the role of this variant in disease conclusively. Therefore, this variant is classified as a Variant of Uncertain Significance.

This study involves interpretation of variants in research participants for the purpose of population health screening. Participant phenotype was not available at the time of variant classification. Additional details can be found in publication PMID: 35346344, PMCID: PMC8962531